The following is an entry in ClinVar:

ClinVar aggregate classification (germline): Uncertain significance (1 of 4 stars; one submission).

Submission:

Dasa
Classification: Uncertain significance. Last evaluated: 2025-06-27. Review status: criteria provided, single submitter. Criteria: DASA Assertion Criteria. Collection method: clinical testing. Allele origin: germline.
Comment: NM_001042603.3(KDM5A):c.3423G>C (p.Met1141Ile) is a missense variant that results in the substitution of methionine with isoleucine. This variant is absent from population databases. Computational prediction algorithms are consistent with a benign effect. The currently available literature and clinical evidence are not sufficient to establish a definitive association between this variant and the reported condition. Therefore, this variant is classified as a variant of uncertain significance.

NM_001042603.3(KDM5A):c.3423G>C (p.Met1141Ile)

Gene: KDM5A (lysine demethylase 5A; minus strand). Cytogenetic location: 12p13.33.
Variant type: single nucleotide variant.
Coding change: c.3423G>C on transcript NM_001042603.3 (MANE Select); coding-DNA position 3423, G replaced by C.
Protein change: p.Met1141Ile; replaces methionine 1141 with isoleucine.
Molecular consequence: missense variant.
Genome position (GRCh38, 1-based): chr12:307,961, C>G on the plus strand (G>C on the coding strand, the complement: KDM5A is on the minus strand). VCF-style: chr12-307961-C-G. GRCh37 (hg19) VCF-style: chr12-417127-C-G.
Other names: short protein forms M1141I.
Identifiers: ClinVar variation 4880881 (VCV004880881.2).